The following is an entry in ClinVar:

ClinVar aggregate classification (germline): Pathogenic (1 of 4 stars; one submission).

Conditions:
Primary ciliary dyskinesia. Also called: Ciliary dyskinesia. Identifiers: Orphanet 244, MedGen C0008780, MONDO:0016575, HP:0012265.

Submission:

Labcorp Genetics (formerly Invitae), Labcorp
Classification: Pathogenic for Primary ciliary dyskinesia. Last evaluated: 2023-06-20. Review status: criteria provided, single submitter. Criteria: Invitae Variant Classification Sherloc (09022015). Collection method: clinical testing. Allele origin: germline.
Comment: This sequence change creates a premature translational stop signal (p.Ser271Valfs*21) in the CCDC39 gene. It is expected to result in an absent or disrupted protein product. Loss-of-function variants in CCDC39 are known to be pathogenic (PMID: 21131972, 23255504). This variant is present in population databases (no rsID available, gnomAD 0.0009%). This variant has not been reported in the literature in individuals affected with CCDC39-related conditions. For these reasons, this variant has been classified as Pathogenic.

Literature cited by the submitters: PubMed 21131972; PubMed 23255504.

NM_181426.2(CCDC39):c.811del (p.Ser271fs)

Gene: CCDC39 (coiled-coil domain 39 molecular ruler complex subunit; minus strand). Cytogenetic location: 3q26.33.
Variant type: Deletion.
Coding change: c.811del on transcript NM_181426.2 (MANE Select); coding-DNA position 811, one base deleted (A; older notation c.811delA).
Protein change: p.Ser271fs; shifts the reading frame from serine 271.
Molecular consequence: frameshift variant.
Genome position (GRCh38, 1-based): chr3:180,654,881, T deleted on the plus strand (A on the coding strand, the reverse complement: CCDC39 is on the minus strand); the first of 3 consecutive T bases (chr3:180,654,881-180,654,883); deleting any one gives the same sequence. VCF-style (leftmost placement, unchanged base first): chr3-180654880-CT-C. GRCh37 (hg19) VCF-style: chr3-180372668-CT-C.
Other names: short protein forms S271fs.
Identifiers: ClinVar variation 2889588 (VCV002889588.3), dbSNP rs1253995342, ClinGen allele CA548348142.